The following is an entry in ClinVar:

ClinVar aggregate classification (germline): Uncertain significance (1 of 4 stars; one submission).

Conditions:
Oligodontia-cancer predisposition syndrome. Also called: TOOTH AGENESIS-COLORECTAL CANCER SYNDROME. Identifiers: Orphanet 300576, MedGen C1837750, MONDO:0012075, OMIM 608615. Disease mechanism: loss of function.

Submission:

Labcorp Genetics (formerly Invitae), Labcorp
Classification: Uncertain significance for Oligodontia-cancer predisposition syndrome. Last evaluated: 2022-10-24. Review status: criteria provided, single submitter. Criteria: Invitae Variant Classification Sherloc (09022015). Collection method: clinical testing. Allele origin: germline.
Comment: In summary, the available evidence is currently insufficient to determine the role of this variant in disease. Therefore, it has been classified as a Variant of Uncertain Significance. Algorithms developed to predict the effect of missense changes on protein structure and function (SIFT, PolyPhen-2, Align-GVGD) all suggest that this variant is likely to be tolerated. This variant has not been reported in the literature in individuals affected with AXIN2-related conditions. This variant is not present in population databases (gnomAD no frequency). This sequence change replaces phenylalanine, which is neutral and non-polar, with valine, which is neutral and non-polar, at codon 737 of the AXIN2 protein (p.Phe737Val).

NM_004655.4(AXIN2):c.2209T>G (p.Phe737Val)

Gene: AXIN2 (axin 2; minus strand). Cytogenetic location: 17q24.1.
Variant type: single nucleotide variant.
Coding change: c.2209T>G on transcript NM_004655.4 (MANE Select); coding-DNA position 2209, T replaced by G.
Protein change: p.Phe737Val; replaces phenylalanine 737 with valine.
Molecular consequence: missense variant.
Genome position (GRCh38, 1-based): chr17:65,535,654, A>C on the plus strand (T>G on the coding strand, the complement: AXIN2 is on the minus strand). VCF-style: chr17-65535654-A-C. GRCh37 (hg19) VCF-style: chr17-63531772-A-C.
Other names: c.2014T>G, p.Phe672Val (NM_001363813.1); short protein forms F672V, F737V.
Identifiers: ClinVar variation 2809551 (VCV002809551.3), dbSNP rs2509396800, ClinGen allele CA400675750.